The following is an entry in ClinVar:

ClinVar aggregate classification (germline): Pathogenic (1 of 4 stars; one submission).

Conditions:
Transcobalamin II deficiency (TCN2D). Also called: TC II DEFICIENCY; TCN2 DEFICIENCY; Transcolabamin II deficiency. Identifiers: Orphanet 859, MedGen C0342701, MONDO:0010149, OMIM 275350.

Submission:

Labcorp Genetics (formerly Invitae), Labcorp
Classification: Pathogenic for Transcobalamin II deficiency. Last evaluated: 2026-01-02. Review status: criteria provided, single submitter. Criteria: Invitae Variant Classification Sherloc (09022015). Collection method: clinical testing. Allele origin: germline.
Comment: This sequence change creates a premature translational stop signal (p.Leu274Cysfs*15) in the TCN2 gene. It is expected to result in an absent or disrupted protein product. Loss-of-function variants in TCN2 are known to be pathogenic (PMID: 7980584, 20352340). This variant is not present in population databases (gnomAD no frequency). This variant has not been reported in the literature in individuals affected with TCN2-related conditions. For these reasons, this variant has been classified as Pathogenic.

Literature cited by the submitters: PubMed 7980584; PubMed 20352340.

NM_000355.4(TCN2):c.821del (p.Leu274fs)

Gene: TCN2 (transcobalamin 2; plus strand). Cytogenetic location: 22q12.2.
Variant type: Deletion.
Coding change: c.821del on transcript NM_000355.4 (MANE Select); coding-DNA position 821, one base deleted (T; older notation c.821delT).
Protein change: p.Leu274fs; shifts the reading frame from leucine 274.
Molecular consequence: frameshift variant.
Genome position (GRCh38, 1-based): chr22:30,615,668, T deleted; the last of 3 consecutive T bases (chr22:30,615,666-30,615,668); deleting any one gives the same sequence. VCF-style (leftmost placement, unchanged base first): chr22-30615665-CT-C. GRCh37 (hg19) VCF-style: chr22-31011652-CT-C.
Other names: c.740del, p.Leu247fs (NM_001184726.2); short protein forms L274fs, L247fs.
Identifiers: ClinVar variation 4733946 (VCV004733946.1).